The following is an entry in ClinVar:

ClinVar aggregate classification (germline): Uncertain significance (1 of 4 stars; one submission).

Conditions:
KDM4B-related disorder. Also called: KDM4B-related condition.

Submission:

PreventionGenetics, part of Exact Sciences
Classification: Uncertain significance for KDM4B-related condition. Last evaluated: 2024-11-07. Review status: criteria provided, single submitter. Criteria: ACMG Guidelines, 2015. Collection method: clinical testing. Allele origin: germline.
Comment: The KDM4B c.539G>A variant is predicted to result in the amino acid substitution p.Gly180Asp. To our knowledge, this variant has not been reported in the literature or in a large population database (gnomAD), indicating this variant is rare. At this time, the clinical significance of this variant is uncertain due to the absence of conclusive functional and genetic evidence.

NM_015015.3(KDM4B):c.539G>A (p.Gly180Asp)

Gene: KDM4B (lysine demethylase 4B; plus strand). Cytogenetic location: 19p13.3.
Variant type: single nucleotide variant.
Coding change: c.539G>A on transcript NM_015015.3 (MANE Select); coding-DNA position 539, G replaced by A.
Protein change: p.Gly180Asp; replaces glycine 180 with aspartic acid.
Molecular consequence: missense variant.
Genome position (GRCh38, 1-based): chr19:5,047,582, G>A. VCF-style: chr19-5047582-G-A. GRCh37 (hg19) VCF-style: chr19-5047593-G-A.
Other names: c.539G>A, p.Gly180Asp (NM_001370093.1, NM_001370094.1, NM_001411148.1); short protein forms G180D.
Identifiers: ClinVar variation 5001317 (VCV005001317.1).